The following is an entry in ClinVar:

ClinVar aggregate classification (germline): Likely benign. Review status: criteria provided, multiple submitters, no conflicts (2 of 4 stars). 2 submissions from 2 submitters: Likely benign (2). Last evaluated 2025-12-01.

Conditions:
DST-related disorder. Also called: DST-related condition; DST-related disorders.

gnomAD v4.1: 17 of 1,611,656 alleles (0.0011%); highest among the groups gnomAD compares: Middle Eastern, 0.016%; no homozygotes.

Submissions (2):

CeGaT Center for Human Genetics Tuebingen
Classification: Likely benign. Last evaluated: 2025-12-01. Review status: criteria provided, single submitter. Criteria: CeGaT Center For Human Genetics Tuebingen Variant Classification Criteria Version 2. Collection method: clinical testing. Allele origin: germline. Affected: yes. Observed: 1 variant allele.
Comment: DST: BP4, BP7

PreventionGenetics, part of Exact Sciences
Classification: Likely benign for DST-related condition. Last evaluated: 2025-07-24. Review status: criteria provided, single submitter. Criteria: ACMG Guidelines, 2015. Collection method: clinical testing. Allele origin: germline.
Comment: This variant is classified as likely benign based on ACMG/AMP sequence variant interpretation guidelines (Richards et al. 2015 PMID: 25741868, with internal and published modifications).

NM_001374736.1(DST):c.21831C>T (p.Ile7277=)

Gene: DST (dystonin; minus strand). Cytogenetic location: 6p12.1.
Variant type: single nucleotide variant.
Coding change: c.21831C>T on transcript NM_001374736.1 (MANE Select); coding-DNA position 21831, C replaced by T.
Protein change: p.Ile7277=; no amino-acid change (isoleucine 7277 retained).
Molecular consequence: synonymous variant.
Genome position (GRCh38, 1-based): chr6:56,476,182, G>A on the plus strand (C>T on the coding strand, the complement: DST is on the minus strand). VCF-style: chr6-56476182-G-A. GRCh37 (hg19) VCF-style: chr6-56340980-G-A.
Other names: c.15474C>T (NM_001144769.2); c.15474C>T, p.Ile5158= (NM_001144769.5); c.15060C>T, p.Ile5020= (NM_001144770.2); c.21831C>T, p.Ile7277= (NM_001374722.1); c.20871C>T, p.Ile6957= (NM_001374729.1); c.14613C>T, p.Ile4871= (NM_001374730.1); c.21858C>T, p.Ile7286= (NM_001374734.1); c.14940C>T, p.Ile4980= (NM_001386100.1, NM_183380.4); and 1 more.
Identifiers: ClinVar variation 4681638 (VCV004681638.6).